The following is an entry in ClinVar:

ClinVar aggregate classification (germline): Uncertain significance (1 of 4 stars; one submission).

Conditions:
Cowden syndrome 3 (CWS3). Identifiers: Orphanet 201, MedGen CN166604, MONDO:0014045.
Pheochromocytoma. Also called: MAX-Related Hereditary Paraganglioma-Pheochromocytoma Syndrome. Identifiers: Orphanet 29072, MedGen C0031511, MONDO:0008233, OMIM 171300, HP:0002666.
Paragangliomas with sensorineural hearing loss. Identifiers: MedGen C1868633.
Carney-Stratakis syndrome. Also called: PARAGANGLIOMA AND GASTROINTESTINAL STROMAL TUMOR. Identifiers: Orphanet 97286, MedGen C1847319, MONDO:0011740, OMIM 606864.

Submission:

Labcorp Genetics (formerly Invitae), Labcorp
Classification: Uncertain significance for Carney-Stratakis syndrome; Paragangliomas with sensorineural hearing loss; Pheochromocytoma; Cowden syndrome 3. Last evaluated: 2023-08-17. Review status: criteria provided, single submitter. Criteria: Invitae Variant Classification Sherloc (09022015). Collection method: clinical testing. Allele origin: germline.
Comment: This sequence change replaces leucine, which is neutral and non-polar, with valine, which is neutral and non-polar, at codon 156 of the SDHD protein (p.Leu156Val). This variant is not present in population databases (gnomAD no frequency). In summary, the available evidence is currently insufficient to determine the role of this variant in disease. Therefore, it has been classified as a Variant of Uncertain Significance. Advanced modeling of protein sequence and biophysical properties (such as structural, functional, and spatial information, amino acid conservation, physicochemical variation, residue mobility, and thermodynamic stability) has been performed at Invitae for this missense variant, however the output from this modeling did not meet the statistical confidence thresholds required to predict the impact of this variant on SDHD protein function. This variant has not been reported in the literature in individuals affected with SDHD-related conditions.

NM_003002.4(SDHD):c.466C>G (p.Leu156Val)

Gene: SDHD (succinate dehydrogenase complex subunit D; plus strand). Cytogenetic location: 11q23.1.
Variant type: single nucleotide variant.
Coding change: c.466C>G on transcript NM_003002.4 (MANE Select); coding-DNA position 466, C replaced by G.
Protein change: p.Leu156Val; replaces leucine 156 with valine.
Molecular consequence: missense variant. On other transcripts: 3 prime UTR variant (2), non-coding transcript variant (1).
Genome position (GRCh38, 1-based): chr11:112,094,956, C>G. VCF-style: chr11-112094956-C-G. GRCh37 (hg19) VCF-style: chr11-111965680-C-G.
Other names: c.*63C>G (NM_001276503.2); c.349C>G, p.Leu117Val (NM_001276504.2); c.*164C>G (NM_001276506.2); short protein forms L117V, L156V.
Identifiers: ClinVar variation 2951056 (VCV002951056.3), dbSNP rs2135277839, ClinGen allele CA382619564.